The following is an entry in ClinVar:

ClinVar aggregate classification (germline): Uncertain significance. Review status: criteria provided, multiple submitters, no conflicts (2 of 4 stars). 2 submissions from 2 submitters: Uncertain significance (2). Last evaluated 2024-11-10.

Conditions:
Inborn genetic diseases. Identifiers: MedGen C0950123, MeSH D030342.

Allele frequency attached by ClinVar (database versions not stated): 1000 Genomes Project 30x 0.00016.
gnomAD v4.1: 11 of 1,612,388 alleles (0.00068%); highest among the groups gnomAD compares: South Asian, 0.0044%; no homozygotes.

Submissions (2):

Ambry Genetics
Classification: Uncertain significance for Inborn genetic diseases. Last evaluated: 2024-11-10. Review status: criteria provided, single submitter. Criteria: Ambry Variant Classification Scheme 2023. Collection method: clinical testing. Allele origin: germline.

Labcorp Genetics (formerly Invitae), Labcorp
Classification: Uncertain significance. Last evaluated: 2024-10-24. Review status: criteria provided, single submitter. Criteria: Invitae Variant Classification Sherloc (09022015). Collection method: clinical testing. Allele origin: germline.
Comment: This sequence change replaces proline, which is neutral and non-polar, with leucine, which is neutral and non-polar, at codon 1285 of the LRPPRC protein (p.Pro1285Leu). This variant is present in population databases (rs373042003, gnomAD 0.006%). This variant has not been reported in the literature in individuals affected with LRPPRC-related conditions. ClinVar contains an entry for this variant (Variation ID: 2153306). Invitae Evidence Modeling of protein sequence and biophysical properties (such as structural, functional, and spatial information, amino acid conservation, physicochemical variation, residue mobility, and thermodynamic stability) indicates that this missense variant is not expected to disrupt LRPPRC protein function with a negative predictive value of 80%. Algorithms developed to predict the effect of sequence changes on RNA splicing suggest that this variant may disrupt the consensus splice site. In summary, the available evidence is currently insufficient to determine the role of this variant in disease. Therefore, it has been classified as a Variant of Uncertain Significance.

NM_133259.4(LRPPRC):c.3854C>T (p.Pro1285Leu)

Gene: LRPPRC (leucine rich pentatricopeptide repeat containing; minus strand). Cytogenetic location: 2p21.
Variant type: single nucleotide variant.
Coding change: c.3854C>T on transcript NM_133259.4 (MANE Select); coding-DNA position 3854, C replaced by T.
Protein change: p.Pro1285Leu; replaces proline 1285 with leucine.
Molecular consequence: missense variant.
Genome position (GRCh38, 1-based): chr2:43,896,680, G>A on the plus strand (C>T on the coding strand, the complement: LRPPRC is on the minus strand). VCF-style: chr2-43896680-G-A. GRCh37 (hg19) VCF-style: chr2-44123819-G-A.
Other names: c.3854C>T (NM_133259.3); short protein forms P1285L.
Identifiers: ClinVar variation 2153306 (VCV002153306.3), dbSNP rs373042003, ClinGen allele CA1637917.